The following is an entry in ClinVar:

NM_182641.4(BPTF):c.4318G>T (p.Val1440Phe)

Gene: BPTF (bromodomain PHD finger transcription factor; plus strand). Cytogenetic location: 17q24.2.
Variant type: single nucleotide variant.
Coding change: c.4318G>T on transcript NM_182641.4 (MANE Select); coding-DNA position 4318, G replaced by T.
Protein change: p.Val1440Phe; replaces valine 1440 with phenylalanine.
Molecular consequence: missense variant.
Genome position (GRCh38, 1-based): chr17:67,912,202, G>T. VCF-style: chr17-67912202-G-T. GRCh37 (hg19) VCF-style: chr17-65908318-G-T.
Other names: c.4696G>T, p.Val1566Phe (NM_004459.7); short protein forms V1440F, V1566F.
Identifiers: ClinVar variation 3907331 (VCV003907331.1).

ClinVar aggregate classification (germline): Uncertain significance (1 of 4 stars; one submission).

gnomAD v4.1: 1 of 1,609,504 alleles (0.000062%); highest among the groups gnomAD compares: East Asian, 0.0022%; no homozygotes.

Submission:

Women's Health and Genetics/Laboratory Corporation of America, LabCorp
Classification: Uncertain significance. Last evaluated: 2025-06-06. Review status: criteria provided, single submitter. Criteria: LabCorp Variant Classification Summary - May 2015. Collection method: clinical testing. Allele origin: germline.
Comment: Variant summary: BPTF c.4696G>T (p.Val1566Phe) results in a non-conservative amino acid change in the encoded protein sequence. Algorithms developed to predict the effect of missense changes on protein structure and function are either unavailable or do not agree on the potential impact of this missense change. The variant allele was found at a frequency of 4.1e-06 in 246760 control chromosomes (gnomAD). The available data on variant occurrences in the general population are insufficient to allow any conclusion about variant significance. To our knowledge, no occurrence of c.4696G>T in individuals affected with Neurodevelopmental Disorder With Dysmorphic Facies And Distal Limb Anomalies and no experimental evidence demonstrating its impact on protein function have been reported. No submitters have cited clinical-significance assessments for this variant to ClinVar. Based on the evidence outlined above, the variant was classified as uncertain significance.